The following is an entry in ClinVar:

NM_001042432.2(CLN3):c.837+5G>A

Gene: CLN3 (CLN3 lysosomal/endosomal transmembrane protein, battenin; minus strand). Cytogenetic location: 16p12.1.
Variant type: single nucleotide variant.
Coding change: c.837+5G>A on transcript NM_001042432.2 (MANE Select); 5 bases into the intron after coding-DNA position 837, G replaced by A.
Molecular consequence: intron variant.
Genome position (GRCh38, 1-based): chr16:28,482,621, C>T on the plus strand (G>A on the coding strand, the complement: CLN3 is on the minus strand). VCF-style: chr16-28482621-C-T. GRCh37 (hg19) VCF-style: chr16-28493942-C-T.
Other names: c.603+5G>A (NM_001286109.2); c.765+5G>A (NM_001286104.2); c.537+5G>A (NM_001286105.2); c.675+5G>A (NM_001286110.2); c.837+5G>A (NM_000086.2).
Identifiers: ClinVar variation 318720 (VCV000318720.20), dbSNP rs756848924, ClinGen allele CA7980808.

ClinVar aggregate classification (germline): Conflicting classifications of pathogenicity. Review status: criteria provided, conflicting classifications (1 of 4 stars). 9 submissions from 9 submitters: Likely pathogenic (2); Uncertain significance (5). 2 of the submissions do not count toward it. Last evaluated 2024-02-29.

Conditions:
Neuronal ceroid lipofuscinosis. Also called: Neuronal Ceroid Lipofuscinoses. Identifiers: Orphanet 216, Orphanet 79263, MedGen C0027877, MONDO:0016295. Disease mechanism: loss of function.
Inborn genetic diseases. Identifiers: MedGen C0950123, MeSH D030342.
Retinitis pigmentosa (RP). Identifiers: Orphanet 791, MedGen C0035334, MeSH D012174, MONDO:0019200, OMIM 268000. Inheritance: Autosomal dominant, autosomal recessive and X linked inheritance.
Neuronal ceroid lipofuscinosis 3 (CLN3). Identifiers: Orphanet 228346, MedGen C0751383, MONDO:0008767, OMIM 204200.

Allele frequency attached by ClinVar (database versions not stated): gnomAD 0.00001; TOPMed 0.00002; gnomAD exomes 0.00005 and 0.00006; ExAC 0.00007.
gnomAD v4.1: 74 of 1,614,024 alleles (0.0046%); highest among the groups gnomAD compares: South Asian, 0.012%; no homozygotes.

Submissions (10):

Fulgent Genetics
Classification: Likely pathogenic for Neuronal ceroid lipofuscinosis 3. Last evaluated: 2024-02-29. Review status: criteria provided, single submitter. Criteria: ACMG Guidelines, 2015. Collection method: clinical testing. Allele origin: germline.

Blueprint Genetics
Classification: Uncertain significance. Last evaluated: 2023-10-20. Review status: criteria provided, single submitter. Criteria: ACMG Guidelines, 2015. Collection method: clinical testing. Allele origin: germline.

Ambry Genetics
Classification: Uncertain significance for Inborn genetic diseases. Last evaluated: 2023-03-17. Review status: criteria provided, single submitter. Criteria: Ambry Variant Classification Scheme 2023. Collection method: clinical testing. Allele origin: germline.
Comment: The c.837+5G>A intronic alteration consists of a G to A substitution 5 nucleotides after exon 11 (coding exon 10) of the CLN3 gene. Based on insufficient or conflicting evidence, the clinical significance of this alteration remains unclear.

Labcorp Genetics (formerly Invitae), Labcorp
Classification: Uncertain significance for Neuronal ceroid lipofuscinosis. Last evaluated: 2022-08-16. Review status: criteria provided, single submitter. Criteria: Invitae Variant Classification Sherloc (09022015). Collection method: clinical testing. Allele origin: germline.
Comment: This sequence change falls in intron 11 of the CLN3 gene. It does not directly change the encoded amino acid sequence of the CLN3 protein. It affects a nucleotide within the consensus splice site. This variant is present in population databases (rs756848924, gnomAD 0.03%). This variant has been observed in individual(s) with isolated retinal degeneration (PMID: 28542676). ClinVar contains an entry for this variant (Variation ID: 318720). Variants that disrupt the consensus splice site are a relatively common cause of aberrant splicing (PMID: 17576681, 9536098). Algorithms developed to predict the effect of sequence changes on RNA splicing suggest that this variant may disrupt the consensus splice site. In summary, the available evidence is currently insufficient to determine the role of this variant in disease. Therefore, it has been classified as a Variant of Uncertain Significance.

Genome-Nilou Lab
Classification: Uncertain significance for Neuronal ceroid lipofuscinosis 3. Last evaluated: 2021-09-05. Review status: criteria provided, single submitter. Criteria: ACMG Guidelines, 2015. Collection method: clinical testing. Allele origin: germline. Affected: no.

Illumina Laboratory Services, Illumina
Classification: Uncertain significance for Neuronal ceroid lipofuscinosis 3. Last evaluated: 2018-01-13. Review status: criteria provided, single submitter. Criteria: ICSL Variant Classification Criteria 13 December 2019. Collection method: clinical testing. Allele origin: germline.

Neuberg Centre For Genomic Medicine, NCGM
Classification: Likely pathogenic for Neuronal ceroid lipofuscinosis 3. Review status: criteria provided, single submitter. Criteria: ACMG Guidelines, 2015. Collection method: clinical testing. Allele origin: germline. Inheritance: Autosomal recessive inheritance. Affected: yes.
Comment: The splice region c.837+5G>A variant in CLN3 gene has been reported previously in compound heterozygous state in an individual affected with Ceroid lipofuscinosis (Ku CA, et. al.,2017). The variant is reported with an allele frequency of 0.006% in the gnomAD exomes database and is novel (not in any individuals) in 1000 Genomes database. This variant has been reported to the ClinVar database as Uncertain significance/ Likely pathogenic. SpliceAI predicts a donor loss of 0.64 for this variant. Loss of function variants have been previously reported to be disease causing. Functional studies are required to prove pathogenicity of the variant. For these reasons, this variant has been classified as Likely Pathogenic.

Counsyl
Classification: Uncertain significance for Neuronal ceroid lipofuscinosis 3. Last evaluated: 2018-01-16. Review status: no assertion criteria provided. Collection method: clinical testing. Allele origin: unknown. Not counted in ClinVar's aggregate classification.

NIHR Bioresource Rare Diseases, University of Cambridge
Classification: Likely pathogenic for Retinitis pigmentosa. Last evaluated: 2015-01-01. Review status: no assertion criteria provided. Collection method: research. Allele origin: unknown. Affected: yes. Observed: 1 variant allele. Not counted in ClinVar's aggregate classification.

Dr. Peter K. Rogan Lab, Western University
No classification provided (evidence only). Condition: Ovarian serous cystadenocarcinoma. Review status: no classification provided. Collection method: in vitro. Allele origin: not applicable. Functional consequence: retained intron. Not counted in ClinVar's aggregate classification.

Literature cited by the submitters: PubMed 28542676 (cited by Ambry Genetics and Labcorp Genetics (formerly Invitae), Labcorp); PubMed 17576681 (cited by Labcorp Genetics (formerly Invitae), Labcorp); PubMed 9536098 (cited by Labcorp Genetics (formerly Invitae), Labcorp); PubMed 28041643 (cited by NIHR Bioresource Rare Diseases, University of Cambridge).